The following is an entry in ClinVar:

ClinVar aggregate classification (germline): Uncertain significance (1 of 4 stars; one submission).

gnomAD v4.1: 12 of 1,612,726 alleles (0.00074%); highest among the groups gnomAD compares: East Asian, 0.0022%; no homozygotes.

Submission:

Labcorp Genetics (formerly Invitae), Labcorp
Classification: Uncertain significance. Last evaluated: 2022-03-06. Review status: criteria provided, single submitter. Criteria: Invitae Variant Classification Sherloc (09022015). Collection method: clinical testing. Allele origin: germline.
Comment: In summary, the available evidence is currently insufficient to determine the role of this variant in disease. Therefore, it has been classified as a Variant of Uncertain Significance. Algorithms developed to predict the effect of sequence changes on RNA splicing suggest that this variant may create or strengthen a splice site. Algorithms developed to predict the effect of missense changes on protein structure and function are either unavailable or do not agree on the potential impact of this missense change (SIFT: "Deleterious"; PolyPhen-2: "Possibly Damaging"; Align-GVGD: "Class C0"). This variant has not been reported in the literature in individuals affected with WHRN-related conditions. This variant is present in population databases (rs759899337, gnomAD 0.01%). This sequence change replaces arginine, which is basic and polar, with glutamine, which is neutral and polar, at codon 682 of the WHRN protein (p.Arg682Gln).

NM_015404.4(WHRN):c.2045G>A (p.Arg682Gln)

Gene: WHRN (whirlin; minus strand). Cytogenetic location: 9q32.
Variant type: single nucleotide variant.
Coding change: c.2045G>A on transcript NM_015404.4 (MANE Select); coding-DNA position 2045, G replaced by A.
Protein change: p.Arg682Gln; replaces arginine 682 with glutamine.
Molecular consequence: missense variant.
Genome position (GRCh38, 1-based): chr9:114,406,546, C>T on the plus strand (G>A on the coding strand, the complement: WHRN is on the minus strand). VCF-style: chr9-114406546-C-T. GRCh37 (hg19) VCF-style: chr9-117168826-C-T.
Other names: c.896G>A, p.Arg299Gln (NM_001083885.3); c.2045G>A, p.Arg682Gln (NM_001173425.2); c.992G>A, p.Arg331Gln (NM_001346890.1); short protein forms R331Q, R682Q, R299Q.
Identifiers: ClinVar variation 1969951 (VCV001969951.3), dbSNP rs759899337, ClinGen allele CA5205744.